The following is an entry in ClinVar:

ClinVar aggregate classification (germline): Uncertain significance. Review status: criteria provided, multiple submitters, no conflicts (2 of 4 stars). 3 submissions from 3 submitters: Uncertain significance (3). Last evaluated 2025-02-15.

Conditions:
Developmental and epileptic encephalopathy, 32 (DEE32). Also called: Epileptic encephalopathy, early infantile, 32. Identifiers: Orphanet 442835, MedGen C4225350, MONDO:0014607, OMIM 616366.

Allele frequency attached by ClinVar (database versions not stated): gnomAD exomes below 0.00001.
gnomAD v4.1: 1 of 1,614,192 alleles (0.000062%); highest among the groups gnomAD compares: Non-Finnish European, 0.000085%; no homozygotes.

Submissions (3):

Labcorp Genetics (formerly Invitae), Labcorp
Classification: Uncertain significance for Developmental and epileptic encephalopathy, 32. Last evaluated: 2025-02-15. Review status: criteria provided, single submitter. Criteria: Invitae Variant Classification Sherloc (09022015). Collection method: clinical testing. Allele origin: germline.
Comment: This sequence change replaces asparagine, which is neutral and polar, with serine, which is neutral and polar, at codon 207 of the KCNA2 protein (p.Asn207Ser). This variant is not present in population databases (gnomAD no frequency). This variant has not been reported in the literature in individuals affected with KCNA2-related conditions. ClinVar contains an entry for this variant (Variation ID: 2638989). Invitae Evidence Modeling of protein sequence and biophysical properties (such as structural, functional, and spatial information, amino acid conservation, physicochemical variation, residue mobility, and thermodynamic stability) indicates that this missense variant is not expected to disrupt KCNA2 protein function with a negative predictive value of 95%. In summary, the available evidence is currently insufficient to determine the role of this variant in disease. Therefore, it has been classified as a Variant of Uncertain Significance.

GeneDx
Classification: Uncertain significance. Last evaluated: 2024-05-30. Review status: criteria provided, single submitter. Criteria: GeneDx Variant Classification Process June 2021. Collection method: clinical testing. Allele origin: germline. Affected: yes.
Comment: Not observed at significant frequency in large population cohorts (gnomAD); In silico analysis supports that this missense variant has a deleterious effect on protein structure/function; Has not been previously published as pathogenic or benign to our knowledge

CeGaT Center for Human Genetics Tuebingen
Classification: Uncertain significance. Last evaluated: 2022-11-01. Review status: criteria provided, single submitter. Criteria: CeGaT Center For Human Genetics Tuebingen Variant Classification Criteria Version 2. Collection method: clinical testing. Allele origin: germline. Affected: yes. Observed: 1 variant allele.
Comment: KCNA2: PM2, PP2

NM_004974.4(KCNA2):c.620A>G (p.Asn207Ser)

Gene: KCNA2 (potassium voltage-gated channel subfamily A member 2; minus strand). Cytogenetic location: 1p13.3.
Variant type: single nucleotide variant.
Coding change: c.620A>G on transcript NM_004974.4 (MANE Select); coding-DNA position 620, A replaced by G.
Protein change: p.Asn207Ser; replaces asparagine 207 with serine.
Molecular consequence: missense variant.
Genome position (GRCh38, 1-based): chr1:110,604,163, T>C on the plus strand (A>G on the coding strand, the complement: KCNA2 is on the minus strand). VCF-style: chr1-110604163-T-C. GRCh37 (hg19) VCF-style: chr1-111146785-T-C.
Other names: c.620A>G, p.Asn207Ser (NM_001204269.2); c.620A>G (NM_004974.3); short protein forms N207S.
Identifiers: ClinVar variation 2638989 (VCV002638989.27), dbSNP rs2524620239, ClinGen allele CA341603588.